The following is an entry in ClinVar:

NM_017780.4(CHD7):c.944A>G (p.Tyr315Cys)

Gene: CHD7 (chromodomain helicase DNA binding protein 7; plus strand). Cytogenetic location: 8q12.2.
Variant type: single nucleotide variant.
Coding change: c.944A>G on transcript NM_017780.4 (MANE Select); coding-DNA position 944, A replaced by G.
Protein change: p.Tyr315Cys; replaces tyrosine 315 with cysteine.
Molecular consequence: missense variant.
Genome position (GRCh38, 1-based): chr8:60,742,376, A>G. VCF-style: chr8-60742376-A-G. GRCh37 (hg19) VCF-style: chr8-61654935-A-G.
Other names: c.944A>G, p.Tyr315Cys (NM_001316690.1); short protein forms Y315C.
Identifiers: ClinVar variation 2897938 (VCV002897938.3), dbSNP rs1487919186, ClinGen allele CA371300200.

ClinVar aggregate classification (germline): Uncertain significance (1 of 4 stars; one submission).

Conditions:
CHARGE syndrome (CHARGE). Also called: Hittner Hirsch Kreh syndrome; CHARGE ASSOCIATION--COLOBOMA, HEART ANOMALY, CHOANAL ATRESIA, RETARDATION, GENITAL AND EAR ANOMALIES; Coloboma, heart anomaly, choanal atresia, retardation, genital and ear anomalies; CHARGE association; Hall-Hittner syndrome. Identifiers: Orphanet 138, MedGen C0265354, MONDO:0008965.

Allele frequency attached by ClinVar (database versions not stated): gnomAD exomes below 0.00001; gnomAD 0.00001; TOPMed 0.00001.
gnomAD v4.1: 2 of 1,613,878 alleles (0.00012%); highest among the groups gnomAD compares: Non-Finnish European, 0.00017%; no homozygotes.

Submission:

Labcorp Genetics (formerly Invitae), Labcorp
Classification: Uncertain significance for CHARGE syndrome. Last evaluated: 2023-02-14. Review status: criteria provided, single submitter. Criteria: Invitae Variant Classification Sherloc (09022015). Collection method: clinical testing. Allele origin: germline.
Comment: This variant is not present in population databases (gnomAD no frequency). This sequence change replaces tyrosine, which is neutral and polar, with cysteine, which is neutral and slightly polar, at codon 315 of the CHD7 protein (p.Tyr315Cys). This variant has not been reported in the literature in individuals affected with CHD7-related conditions. In summary, the available evidence is currently insufficient to determine the role of this variant in disease. Therefore, it has been classified as a Variant of Uncertain Significance. Advanced modeling of protein sequence and biophysical properties (such as structural, functional, and spatial information, amino acid conservation, physicochemical variation, residue mobility, and thermodynamic stability) performed at Invitae indicates that this missense variant is expected to disrupt CHD7 protein function.